The following is an entry in ClinVar:

NM_021224.6(ZNF462):c.6632G>A (p.Arg2211Gln)

Gene: ZNF462 (zinc finger protein 462; plus strand). Cytogenetic location: 9q31.2.
Variant type: single nucleotide variant.
Coding change: c.6632G>A on transcript NM_021224.6 (MANE Select); coding-DNA position 6632, G replaced by A.
Protein change: p.Arg2211Gln; replaces arginine 2211 with glutamine.
Molecular consequence: missense variant.
Genome position (GRCh38, 1-based): chr9:106,972,209, G>A. VCF-style: chr9-106972209-G-A. GRCh37 (hg19) VCF-style: chr9-109734490-G-A.
Other names: c.4037G>A, p.Arg1346Gln (NM_001347997.2); short protein forms R1346Q, R2211Q.
Identifiers: ClinVar variation 4881500 (VCV004881500.2).

ClinVar aggregate classification (germline): Uncertain significance (1 of 4 stars; one submission).

gnomAD v4.1: 5 of 1,614,078 alleles (0.00031%); highest among the groups gnomAD compares: East Asian, 0.0022%; no homozygotes.

Submission:

Dasa
Classification: Uncertain significance. Last evaluated: 2026-03-26. Review status: criteria provided, single submitter. Criteria: DASA Assertion Criteria. Collection method: clinical testing. Allele origin: germline.
Comment: NM_021224.6(ZNF462):c.6632G>A (p.Arg2211Gln) is a missense variant that results in the substitution of arginine with glutamine. This variant is rare in population databases. The currently available literature and clinical evidence are not sufficient to establish a definitive association between this variant and the reported condition. Therefore, this variant is classified as a variant of uncertain significance.